The following is an entry in ClinVar:

ClinVar aggregate classification (germline): Conflicting classifications of pathogenicity. Review status: criteria provided, conflicting classifications (1 of 4 stars). 7 submissions from 7 submitters: Uncertain significance (3); Benign (2); Likely benign (2). Last evaluated 2025-12-22.

Conditions:
Hereditary cancer-predisposing syndrome. Also called: Tumor predisposition; Hereditary Cancer Syndrome; Hereditary neoplastic syndrome; Neoplastic Syndromes, Hereditary. Identifiers: Orphanet 140162, MedGen C0027672, MeSH D009386, MONDO:0015356.
Hereditary breast ovarian cancer syndrome. Also called: Breast and ovarian cancer; Hereditary breast and ovarian cancer syndrome; Hereditary breast and ovarian cancer; BRCA1- and BRCA2-Associated Hereditary Breast and Ovarian Cancer; Hereditary breast and ovarian cancer syndrome (HBOC); Hereditary breast and/or ovarian cancer syndrome. Identifiers: Orphanet 145, MedGen C0677776, MeSH D061325, MONDO:0003582. Disease mechanism: loss of function.
Breast-ovarian cancer, familial, susceptibility to, 2 (BROVCA2). Also called: BRCA2 Hereditary Breast and Ovarian Cancer. Identifiers: Orphanet 145, MedGen C2675520, MONDO:0012933, OMIM 612555. Disease mechanism: loss of function.

Allele frequency attached by ClinVar (database versions not stated): gnomAD exomes below 0.00001; gnomAD 0.00001 and 0.00026; TOPMed 0.00035.
gnomAD v4.1: 44 of 1,613,744 alleles (0.0027%); highest among the groups gnomAD compares: African/African-American, 0.0013%; 2 homozygotes.

Submissions (7):

Labcorp Genetics (formerly Invitae), Labcorp
Classification: Uncertain significance for Hereditary breast ovarian cancer syndrome. Last evaluated: 2025-12-22. Review status: criteria provided, single submitter. Criteria: Invitae Variant Classification Sherloc (09022015). Collection method: clinical testing. Allele origin: germline.
Comment: This sequence change replaces valine, which is neutral and non-polar, with isoleucine, which is neutral and non-polar, at codon 1605 of the BRCA2 protein (p.Val1605Ile). This variant is not present in population databases (gnomAD no frequency). This missense change has been observed in individual(s) with breast cancer and/or at high risk for breast and ovarian cancer (PMID: 18418466, 21520333, 25503501). ClinVar contains an entry for this variant (Variation ID: 183942). Invitae Evidence Modeling of protein sequence and biophysical properties (such as structural, functional, and spatial information, amino acid conservation, physicochemical variation, residue mobility, and thermodynamic stability) indicates that this missense variant is not expected to disrupt BRCA2 protein function with a negative predictive value of 95%. In summary, the available evidence is currently insufficient to determine the role of this variant in disease. Therefore, it has been classified as a Variant of Uncertain Significance.

Ambry Genetics
Classification: Likely benign for Hereditary cancer-predisposing syndrome. Last evaluated: 2025-09-02. Review status: criteria provided, single submitter. Criteria: Ambry Variant Classification Scheme 2023. Collection method: clinical testing. Allele origin: germline.

Color Diagnostics, LLC DBA Color Health
Classification: Uncertain significance for Hereditary cancer-predisposing syndrome. Last evaluated: 2025-06-24. Review status: criteria provided, single submitter. Criteria: ACMG Guidelines, 2015. Collection method: clinical testing. Allele origin: germline.
Comment: This missense variant replaces valine with isoleucine at codon 1605 of the BRCA2 protein. Computational prediction suggests that this variant may not impact protein structure and function. To our knowledge, functional studies have not been reported for this variant. This variant has been reported in an individual affected with breast cancer (PMID: 25503501). This variant has not been identified in the general population by the Genome Aggregation Database (gnomAD). The available evidence is insufficient to determine the role of this variant in disease conclusively. Therefore, this variant is classified as a Variant of Uncertain Significance.

Quest Diagnostics Nichols Institute San Juan Capistrano
Classification: Benign. Last evaluated: 2023-08-09. Review status: criteria provided, single submitter. Criteria: Quest Diagnostics criteria. Collection method: clinical testing. Allele origin: unknown.

University of Washington Department of Laboratory Medicine, University of Washington
Classification: Likely benign for Hereditary cancer-predisposing syndrome. Last evaluated: 2023-03-23. Review status: criteria provided, single submitter. Criteria: Dines et al. (Genet Med. 2020). Collection method: curation. Allele origin: germline.
Comment: Missense variant in a coldspot region where missense variants are very unlikely to be pathogenic (PMID:31911673).

BRCA2 exon 11 coldspot. Reclassification based on statistical prior probability.

Myriad Genetics, Inc.
Classification: Benign for Breast-ovarian cancer, familial, susceptibility to, 2. Last evaluated: 2023-03-10. Review status: criteria provided, single submitter. Criteria: Myriad Autosomal Dominant, Autosomal Recessive and X-Linked Classification Criteria (2023). Collection method: clinical testing. Allele origin: unknown.
Comment: This variant is considered benign. This variant is strongly associated with less severe personal and family histories of cancer, typical for individuals without pathogenic variants in this gene [PMID: 25085752]. This variant has been observed in trans with a known pathogenic variant in one or more individuals lacking clinical features consistent with gene-specific recessive disease.

GeneDx
Classification: Uncertain significance. Last evaluated: 2021-11-15. Review status: criteria provided, single submitter. Criteria: GeneDx Variant Classification Process June 2021. Collection method: clinical testing. Allele origin: germline. Affected: yes.
Comment: Not observed at significant frequency in large population cohorts (Lek et al., 2016); In silico analysis supports that this missense variant does not alter protein structure/function; Observed in individuals with breast cancer (Maxwell 2015); Also known as 5041G>A; This variant is associated with the following publications: (PMID: 25503501, 18418466)

Literature cited by the submitters: PubMed 18418466 (cited by 3 submitters); PubMed 21520333 (cited by Labcorp Genetics (formerly Invitae), Labcorp); PubMed 25503501 (cited by 4 submitters); PubMed 33471991 (cited by Ambry Genetics and Quest Diagnostics Nichols Institute San Juan Capistrano); PubMed 31911673 (cited by Quest Diagnostics Nichols Institute San Juan Capistrano); PubMed 25085752 (cited by Myriad Genetics, Inc.).

NM_000059.4(BRCA2):c.4813G>A (p.Val1605Ile)

Gene: BRCA2 (BRCA2 DNA repair associated; plus strand). Cytogenetic location: 13q13.1.
Variant type: single nucleotide variant.
Coding change: c.4813G>A on transcript NM_000059.4 (MANE Select); coding-DNA position 4813, G replaced by A.
Protein change: p.Val1605Ile; replaces valine 1605 with isoleucine.
Molecular consequence: missense variant.
Genome position (GRCh38, 1-based): chr13:32,339,168, G>A. VCF-style: chr13-32339168-G-A. GRCh37 (hg19) VCF-style: chr13-32913305-G-A.
Other names: short protein forms V1605I.
Identifiers: ClinVar variation 183942 (VCV000183942.29), dbSNP rs786201175, ClinGen allele CA020865.